The following is an entry in ClinVar:

NM_016955.4(SEPSECS):c.361_362insGCCGGGCGCGGTGGCTCACGCCTGTAATCCCAGCACTTTGGGAGGCCGAGGCGGGCGGATCACGAGGTCAGGAGATCGAGACCATCCTGGCTAACACGGTGAAACCCCGTCTCTACNNNNNNNNNNAAAAAAAAAAAAAAAAAAAATTACCAATTCTT (p.Leu121fs)

Gene: SEPSECS (Sep (O-phosphoserine) tRNA:Sec (selenocysteine) tRNA synthase; minus strand). Cytogenetic location: 4p15.2.
Variant type: Insertion.
Coding change: c.361_362insGCCGGGCGCGGTGGCTCACGCCTGTAATCCCAGCACTTTGGGAGGCCGAGGCGGGCGGATCACGAGGTCAGGAGATCGAGACCATCCTGGCTAACACGGTGAAACCCCGTCTCTACNNNNNNNNNNAAAAAAAAAAAAAAAAAAAATTACCAATTCTT on transcript NM_016955.4 (MANE Select); coding-DNA positions 361 to 362, GCCGGGCGCGGTGGCTCACGCCTGTAATCCCAGCACTTTGGGAGGCCGAGGCGGGCGGATCACGAGGTCAGGAGATCGAGACCATCCTGGCTAACACGGTGAAACCCCGTCTCTACNNNNNNNNNNAAAAAAAAAAAAAAAAAAAATTACCAATTCTT inserted.
Protein change: p.Leu121fs; shifts the reading frame from leucine 121.
Molecular consequence: frameshift variant.
Genome position: GRCh38: chr4:25,156,898-25,156,899. GRCh37 (hg19): chr4:25,158,520-25,158,521.
Other names: short protein forms L121fs.
Identifiers: ClinVar variation 1420995 (VCV001420995.6), dbSNP rs2109035661.

ClinVar aggregate classification (germline): Pathogenic (1 of 4 stars; one submission).

Submission:

Labcorp Genetics (formerly Invitae), Labcorp
Classification: Pathogenic. Last evaluated: 2021-06-15. Review status: criteria provided, single submitter. Criteria: Invitae Variant Classification Sherloc (09022015). Collection method: clinical testing. Allele origin: germline.
Comment: This sequence change inserts a large fragment of DNA, likely a transposable element, in exon 3 of the SEPSECS gene (c.361_362ins?), causing a frameshift at codon 121 (p.Leu121fs). The exact size and sequence of the insertion cannot be determined by the current assay. However, the insertion is expected to result in an absent or disrupted protein product. This variant is not present in population databases (ExAC no frequency). This variant has not been reported in the literature in individuals with SEPSECS-related conditions. Algorithms developed to predict the effect of sequence changes on RNA splicing suggest that this variant may create or strengthen a splice site, but this prediction has not been confirmed by published transcriptional studies. Retrotransposon insertions including LINE1 (L1), Alu, and SVA (SINE-VNTR-Alu) have been reported to be disease-causing through disruption of either a coding region or splice site (PMID: 19763152, 20307669, 22406018) and loss-of-function variants in SEPSECS are known to be pathogenic (PMID: 25558065, 25590979, 26115735). For these reasons, this variant has been classified as Pathogenic.

Literature cited by the submitters: PubMed 19763152; PubMed 20307669; PubMed 22406018; PubMed 25558065; PubMed 25590979; PubMed 26115735.